The following is an entry in ClinVar:

ClinVar aggregate classification (germline): Uncertain significance (1 of 4 stars; one submission).

Conditions:
Acromesomelic dysplasia 1, Maroteaux type (AMD1). Also called: ST. HELENA DYSPLASIA; ACROMESOMELIC DYSPLASIA 1. Identifiers: Orphanet 40, MedGen C1864356, MONDO:0011275, OMIM 602875.
Tall stature-scoliosis-macrodactyly of the great toes syndrome. Also called: Epiphyseal chondrodysplasia, miura type. Identifiers: Orphanet 329191, MedGen C4014690, MONDO:0014401, OMIM 615923.

Submission:

Labcorp Genetics (formerly Invitae), Labcorp
Classification: Uncertain significance for Tall stature-scoliosis-macrodactyly of the great toes syndrome; Acromesomelic dysplasia 1, Maroteaux type. Last evaluated: 2024-05-07. Review status: criteria provided, single submitter. Criteria: Invitae Variant Classification Sherloc (09022015). Collection method: clinical testing. Allele origin: germline.
Comment: This sequence change replaces serine, which is neutral and polar, with leucine, which is neutral and non-polar, at codon 526 of the NPR2 protein (p.Ser526Leu). This variant is not present in population databases (gnomAD no frequency). This variant has not been reported in the literature in individuals affected with NPR2-related conditions. Advanced modeling of protein sequence and biophysical properties (such as structural, functional, and spatial information, amino acid conservation, physicochemical variation, residue mobility, and thermodynamic stability) performed at Invitae indicates that this missense variant is not expected to disrupt NPR2 protein function with a negative predictive value of 80%. In summary, the available evidence is currently insufficient to determine the role of this variant in disease. Therefore, it has been classified as a Variant of Uncertain Significance.

NM_003995.4(NPR2):c.1577C>T (p.Ser526Leu)

Gene: NPR2 (natriuretic peptide receptor 2; plus strand). Cytogenetic location: 9p13.3.
Variant type: single nucleotide variant.
Coding change: c.1577C>T on transcript NM_003995.4 (MANE Select); coding-DNA position 1577, C replaced by T.
Protein change: p.Ser526Leu; replaces serine 526 with leucine.
Molecular consequence: missense variant.
Genome position (GRCh38, 1-based): chr9:35,801,945, C>T. VCF-style: chr9-35801945-C-T. GRCh37 (hg19) VCF-style: chr9-35801942-C-T.
Other names: c.1586C>T, p.Ser529Leu (NM_001378923.1); short protein forms S526L, S529L.
Identifiers: ClinVar variation 2938401 (VCV002938401.3), dbSNP rs756858649, ClinGen allele CA373373209.